The following is an entry in ClinVar:

ClinVar aggregate classification (germline): Benign/Likely benign. Review status: criteria provided, multiple submitters, no conflicts (2 of 4 stars). 5 submissions from 5 submitters: Benign (2); Likely benign (2). 1 of the submissions does not count toward it. Last evaluated 2026-02-03.

Conditions:
PHIP-related disorder. Also called: PHIP-related condition; PHIP-related disorders.

Allele frequency attached by ClinVar (database versions not stated): gnomAD exomes 0.00055 and 0.00110; ExAC 0.00111; ESP Exome Variant Server 0.00315; gnomAD 0.00340 and 0.00358; TOPMed 0.00380; 1000 Genomes Project 30x 0.00437; 1000 Genomes Project 0.00459.
gnomAD v4.1: 1,375 of 1,614,100 alleles (0.085%); highest among the groups gnomAD compares: African/African-American, 1.1%; 10 homozygotes.

Submissions (5):

Labcorp Genetics (formerly Invitae), Labcorp
Classification: Benign. Last evaluated: 2026-02-03. Review status: criteria provided, single submitter. Criteria: Invitae Variant Classification Sherloc (09022015). Collection method: clinical testing. Allele origin: germline.

CeGaT Center for Human Genetics Tuebingen
Classification: Likely benign. Last evaluated: 2026-02-01. Review status: criteria provided, single submitter. Criteria: CeGaT Center For Human Genetics Tuebingen Variant Classification Criteria Version 2. Collection method: clinical testing. Allele origin: germline. Affected: yes. Observed: 4 variant alleles.
Comment: PHIP: BP4, BP7, BS1

Blueprint Genetics
Classification: Likely benign. Last evaluated: 2024-11-25. Review status: criteria provided, single submitter. Criteria: ACMG Guidelines, 2015. Collection method: clinical testing. Allele origin: germline.

Genetic Services Laboratory, University of Chicago
Classification: Benign. Last evaluated: 2021-03-08. Review status: criteria provided, single submitter. Criteria: ACMG Guidelines, 2015. Collection method: clinical testing. Allele origin: germline. Affected: no.

PreventionGenetics, part of Exact Sciences
Classification: Benign for PHIP-related condition. Last evaluated: 2021-05-26. Review status: no assertion criteria provided. Collection method: clinical testing. Allele origin: germline. Not counted in ClinVar's aggregate classification.
Comment: This variant is classified as benign based on ACMG/AMP sequence variant interpretation guidelines (Richards et al. 2015 PMID: 25741868, with internal and published modifications).

NM_017934.7(PHIP):c.723A>G (p.Ala241=)

Gene: PHIP (PHIP subunit of CUL4-Ring ligase complex; minus strand). Cytogenetic location: 6q14.1.
Variant type: single nucleotide variant.
Coding change: c.723A>G on transcript NM_017934.7 (MANE Select); coding-DNA position 723, A replaced by G.
Protein change: p.Ala241=; no amino-acid change (alanine 241 retained).
Molecular consequence: synonymous variant.
Genome position (GRCh38, 1-based): chr6:79,026,042, T>C on the plus strand (A>G on the coding strand, the complement: PHIP is on the minus strand). VCF-style: chr6-79026042-T-C. GRCh37 (hg19) VCF-style: chr6-79735759-T-C.
Identifiers: ClinVar variation 1336136 (VCV001336136.37), dbSNP rs77379998, ClinGen allele CA3900321.
Genomic context (GRCh38, chr6:79,026,042, plus strand): 5'-AGCCAAAGGTGCACAGGTTCGAAGACACCAGACTCGGATCATTTTATCACAACTTCCAGC[T>C]GCTATCATGGTATTCTCATAGTTTACAGCCATGTCTGATATTTCAGCAGCATGTCCTCTT-3'
Protein context (NP_060404.4, residues 231-251): MAVNYENTMI[Ala241=]AGSCDKMIRV